The following is an entry in ClinVar:

NM_015338.6(ASXL1):c.4439T>G (p.Phe1480Cys)

Gene: ASXL1 (ASXL transcriptional regulator 1; plus strand). Cytogenetic location: 20q11.21.
Variant type: single nucleotide variant.
Coding change: c.4439T>G on transcript NM_015338.6 (MANE Select); coding-DNA position 4439, T replaced by G.
Protein change: p.Phe1480Cys; replaces phenylalanine 1480 with cysteine.
Molecular consequence: missense variant.
Genome position (GRCh38, 1-based): chr20:32,437,151, T>G. VCF-style: chr20-32437151-T-G. GRCh37 (hg19) VCF-style: chr20-31024954-T-G.
Other names: c.4256T>G, p.Phe1419Cys (NM_001363734.1); short protein forms F1419C, F1480C.
Identifiers: ClinVar variation 1318679 (VCV001318679.2), dbSNP rs1479344658, ClinGen allele CA408565168.

ClinVar aggregate classification (germline): Uncertain significance (1 of 4 stars; one submission).

Allele frequency attached by ClinVar (database versions not stated): TOPMed below 0.00001.

Submission:

GeneDx
Classification: Uncertain significance. Last evaluated: 2018-09-26. Review status: criteria provided, single submitter. Criteria: GeneDx Variant Classification Process June 2021. Collection method: clinical testing. Allele origin: germline. Affected: yes.
Comment: Not observed in large population cohorts (Lek et al., 2016); In silico analysis, which includes protein predictors and evolutionary conservation, supports a deleterious effect; Has not been previously published as pathogenic or benign to our knowledge